The following is an entry in ClinVar:

ClinVar aggregate classification (germline): Uncertain significance (1 of 4 stars; one submission).

Conditions:
Cardiovascular phenotype. Identifiers: MedGen CN230736.

Submission:

Ambry Genetics
Classification: Uncertain significance for Cardiovascular phenotype. Last evaluated: 2022-12-19. Review status: criteria provided, single submitter. Criteria: Ambry Variant Classification Scheme 2023. Collection method: clinical testing. Allele origin: germline.
Comment: The c.5317dupC variant, located in coding exon 35 of the MYH7 gene, results from a duplication of C at nucleotide position 5317, causing a translational frameshift with a predicted alternate stop codon (p.Q1773Pfs*19). This alteration is expected to result in protein truncation or nonsense-mediated mRNA decay. However, loss of function of MYH7 has not been established as a mechanism of disease. Since supporting evidence is limited at this time, the clinical significance of this alteration remains unclear.

NM_000257.4(MYH7):c.5317dup (p.Gln1773fs)

Gene: MYH7 (myosin heavy chain 7; minus strand). Cytogenetic location: 14q11.2.
Variant type: Duplication.
Coding change: c.5317dup on transcript NM_000257.4 (MANE Select); coding-DNA position 5317, one base duplicated (C; older notation c.5317dupC).
Protein change: p.Gln1773fs; shifts the reading frame from glutamine 1773.
Molecular consequence: frameshift variant.
Genome position (GRCh38, 1-based): chr14:23,415,237, G duplicated on the plus strand (C on the coding strand, the reverse complement: MYH7 is on the minus strand). VCF-style (leftmost placement, unchanged base first): chr14-23415236-T-TG. GRCh37 (hg19) VCF-style: chr14-23884445-T-TG.
Other names: c.5317dup, p.Gln1773fs (NM_001407004.1); c.5317dupC (NM_000257.4); short protein forms Q1773fs.
Identifiers: ClinVar variation 2448061 (VCV002448061.2), dbSNP rs2502239766, ClinGen allele CA2580087929.